The following is an entry in ClinVar:

NM_000548.5(TSC2):c.1444-9C>T

Gene: TSC2 (TSC complex subunit 2; plus strand). Cytogenetic location: 16p13.3.
Variant type: single nucleotide variant.
Coding change: c.1444-9C>T on transcript NM_000548.5 (MANE Select); 9 bases into the intron before coding-DNA position 1444, C replaced by T.
Molecular consequence: intron variant.
Genome position (GRCh38, 1-based): chr16:2,064,263, C>T. VCF-style: chr16-2064263-C-T. GRCh37 (hg19) VCF-style: chr16-2114264-C-T.
Other names: c.1444-9C>T (NM_001114382.3, NM_021055.3, NM_001370405.1 and 3 more transcripts); c.1333-9C>T (NM_001318827.2); c.844-9C>T (NM_001318831.2); c.1297-9C>T (NM_001318829.2); c.1477-9C>T (NM_001318832.2).
Identifiers: ClinVar variation 467874 (VCV000467874.15), dbSNP rs780055493, ClinGen allele CA030548.

ClinVar aggregate classification (germline): Likely benign. Review status: criteria provided, multiple submitters, no conflicts (2 of 4 stars). 5 submissions from 5 submitters: Likely benign (5). Last evaluated 2025-09-16.

Conditions:
Tuberous sclerosis 2 (TSC2). Identifiers: Orphanet 805, MedGen C1860707, MONDO:0013199, OMIM 613254.
Tuberous sclerosis syndrome (TSC). Also called: Tuberous Sclerosis Complex; Tuberous sclerosis. Identifiers: Orphanet 805, MedGen C0041341, MONDO:0001734.

Allele frequency attached by ClinVar (database versions not stated): TOPMed below 0.00001; ExAC 0.00001; gnomAD 0.00001; gnomAD exomes 0.00001 and below 0.00001.
gnomAD v4.1: 13 of 1,613,764 alleles (0.00081%); highest among the groups gnomAD compares: Non-Finnish European, 0.0011%; no homozygotes.

Submissions (5):

Labcorp Genetics (formerly Invitae), Labcorp
Classification: Likely benign for Tuberous sclerosis 2. Last evaluated: 2025-09-16. Review status: criteria provided, single submitter. Criteria: Invitae Variant Classification Sherloc (09022015). Collection method: clinical testing. Allele origin: germline.

Myriad Genetics, Inc.
Classification: Likely benign for Tuberous sclerosis 2. Last evaluated: 2025-05-14. Review status: criteria provided, single submitter. Criteria: Myriad Autosomal Dominant, Autosomal Recessive and X-Linked Classification Criteria (2023). Collection method: clinical testing. Allele origin: unknown.
Comment: This variant is considered likely benign. This variant is intronic and is not expected to impact mRNA splicing.

Quest Diagnostics Nichols Institute San Juan Capistrano
Classification: Likely benign. Last evaluated: 2025-03-18. Review status: criteria provided, single submitter. Criteria: Quest Diagnostics criteria. Collection method: clinical testing. Allele origin: unknown.

Blueprint Genetics
Classification: Likely benign. Last evaluated: 2024-05-17. Review status: criteria provided, single submitter. Criteria: ACMG Guidelines, 2015. Collection method: clinical testing. Allele origin: germline.

All of Us Research Program, National Institutes of Health
Classification: Likely benign for Tuberous sclerosis syndrome. Last evaluated: 2023-11-28. Review status: criteria provided, single submitter. Criteria: ACMG Guidelines, 2015. Collection method: clinical testing. Allele origin: germline. Inheritance: Autosomal dominant inheritance. Observed: 2 variant alleles, 2 heterozygotes.
Comment: This study involves interpretation of variants in research participants for the purpose of population health screening. Participant phenotype was not available at the time of variant classification. Additional details can be found in publication PMID: 35346344, PMCID: PMC8962531